The following is an entry in ClinVar:

NM_001377458.1(CLCC1):c.1556C>A (p.Ser519Tyr)

Gene: CLCC1 (chloride channel CLIC like 1; minus strand). Cytogenetic location: 1p13.3.
Variant type: single nucleotide variant.
Coding change: c.1556C>A on transcript NM_001377458.1 (MANE Select); coding-DNA position 1556, C replaced by A.
Protein change: p.Ser519Tyr; replaces serine 519 with tyrosine.
Molecular consequence: missense variant. On other transcripts: non-coding transcript variant (1).
Genome position (GRCh38, 1-based): chr1:108,934,770, G>T on the plus strand (C>A on the coding strand, the complement: CLCC1 is on the minus strand). VCF-style: chr1-108934770-G-T. GRCh37 (hg19) VCF-style: chr1-109477392-G-T.
Other names: c.1556C>A, p.Ser519Tyr (NM_001048210.3, NM_001377459.1, NM_001377460.1 and 8 more transcripts); c.1193C>A, p.Ser398Tyr (NM_001278202.2); c.1001C>A, p.Ser334Tyr (NM_001278203.1); c.1454C>A, p.Ser485Tyr (NM_001377469.1); c.1265C>A, p.Ser422Tyr (NM_001377470.1); c.1406C>A, p.Ser469Tyr (NM_015127.5); short protein forms S334Y, S398Y, S422Y, S469Y, S485Y, S519Y.
Identifiers: ClinVar variation 1056738 (VCV001056738.10), dbSNP rs147516957, ClinGen allele CA983301.
Genomic context (GRCh38, chr1:108,934,770, plus strand): 5'-CCAGCCACACCTCTTGCGGGGCTGTATGTGCTGCCTTGGTCTGGGCTGCCTGCGGCTTCA[G>T]ACTTGAGCTGGGCCTTTTCCGCTGCGGGTGAACCTTCTGTATTCCCTGATGTGTCTTGGC-3'
Protein context (NP_001364387.1, residues 509-529): SPAAEKAQLK[Ser519Tyr]EAAGSPDQGS

ClinVar aggregate classification (germline): Uncertain significance (1 of 4 stars; one submission).

gnomAD v4.1: 5 of 1,614,222 alleles (0.00031%); highest among the groups gnomAD compares: Admixed American, 0.0083%; no homozygotes.

Submission:

Labcorp Genetics (formerly Invitae), Labcorp
Classification: Uncertain significance. Last evaluated: 2022-06-20. Review status: criteria provided, single submitter. Criteria: Invitae Variant Classification Sherloc (09022015). Collection method: clinical testing. Allele origin: germline.
Comment: In summary, the available evidence is currently insufficient to determine the role of this variant in disease. Therefore, it has been classified as a Variant of Uncertain Significance. Algorithms developed to predict the effect of missense changes on protein structure and function are either unavailable or do not agree on the potential impact of this missense change (SIFT: "Deleterious"; PolyPhen-2: "Possibly Damaging"; Align-GVGD: "Class C0"). ClinVar contains an entry for this variant (Variation ID: 1056738). This variant has not been reported in the literature in individuals affected with CLCC1-related conditions. This variant is present in population databases (rs147516957, gnomAD 0.01%). This sequence change replaces serine, which is neutral and polar, with tyrosine, which is neutral and polar, at codon 519 of the CLCC1 protein (p.Ser519Tyr).